The following is an entry in ClinVar:

ClinVar aggregate classification (germline): Uncertain significance (1 of 4 stars; one submission).

Conditions:
Hereditary cancer-predisposing syndrome. Also called: Neoplastic Syndromes, Hereditary; Hereditary neoplastic syndrome; Tumor predisposition; Hereditary Cancer Syndrome. Identifiers: Orphanet 140162, MedGen C0027672, MeSH D009386, MONDO:0015356.

Submission:

Ambry Genetics
Classification: Uncertain significance for Hereditary cancer-predisposing syndrome. Last evaluated: 2026-03-02. Review status: criteria provided, single submitter. Criteria: Ambry Variant Classification Scheme 2023. Collection method: clinical testing. Allele origin: germline.
Comment: The c.100_101delGCinsCT variant (also known as p.A34L), located in coding exon 1 of the ALK gene, results from an in-frame deletion of GC and insertion of CT at nucleotide positions 100 to 101. This results in the substitution of the alanine residue for a leucine residue at codon 34, an amino acid with similar properties. This amino acid position is poorly conserved in available vertebrate species. In addition, this variant is predicted to be neutral by in silico analysis (Choi Y et al. PLoS ONE. 2012; 7(10):e46688). Based on the available evidence, the clinical significance of this variant remains unclear.

NM_004304.5(ALK):c.100_101delinsCT (p.Ala34Leu)

Gene: ALK (ALK receptor tyrosine kinase; minus strand). Cytogenetic location: 2p23.1.
Variant type: Indel.
Coding change: c.100_101delinsCT on transcript NM_004304.5 (MANE Select); coding-DNA positions 100 to 101, GC replaced by CT.
Protein change: p.Ala34Leu; replaces alanine 34 with leucine.
Molecular consequence: missense variant.
Genome position (GRCh38, 1-based): chr2:29,920,559-29,920,560, GC replaced by AG on the plus strand (GC replaced by CT on the coding strand, the reverse complement: ALK is on the minus strand). VCF-style: chr2-29920559-GC-AG. GRCh37 (hg19) VCF-style: chr2-30143425-GC-AG.
Other names: short protein forms A34L.
Identifiers: ClinVar variation 4824832 (VCV004824832.1).